The following is an entry in ClinVar:

NM_016366.3(CABP2):c.490-24_490-1del

Gene: CABP2 (calcium binding protein 2; minus strand). Cytogenetic location: 11q13.2.
Variant type: Deletion.
Coding change: c.490-24_490-1del on transcript NM_016366.3 (MANE Select); 24 bases into the intron before coding-DNA position 490 through the canonical splice acceptor site of the intron before coding-DNA position 490, 24 bases deleted (ACGCCACAACCAACGCCGCCACAG).
Molecular consequence: splice acceptor variant.
Genome position (GRCh38, 1-based): chr11:67,519,941-67,519,964, CTGTGGCGGCGTTGGTTGTGGCGT deleted on the plus strand (ACGCCACAACCAACGCCGCCACAG on the coding strand, the reverse complement: CABP2 is on the minus strand); deleting any 24 consecutive bases within chr11:67,519,941-67,519,967 gives the same sequence; the c. name uses the placement nearest the transcript's 3' end. VCF-style (leftmost placement, unchanged base first): chr11-67519940-ACTGTGGCGGCGTTGGTTGTGGCGT-A. GRCh37 (hg19) VCF-style: chr11-67287411-ACTGTGGCGGCGTTGGTTGTGGCGT-A.
Other names: c.490-24_490-1delACGCCACAACCAACGCCGCCACAG (NM_016366.2); c.508-24_508-1del (NM_001318496.2).
Identifiers: ClinVar variation 420266 (VCV000420266.4), dbSNP rs753267072, ClinGen allele CA6142408.
Genomic context (GRCh38, chr11:67,519,940, plus strand): 5'-GGGCCTTGAGGGCCGCCCGGAGCTCGCCCACGCTGATGCGGCCGTCCCCATTGGTGTCGA[ACTGTGGCGGCGTTGGTTGTGGCGT>A]CTGGTCACTGACAGTCATTCACACGCGCAGCCCCTCACTCACGGCAGACACGCAGCCCTG-3'

ClinVar aggregate classification (germline): Uncertain significance (1 of 4 stars; one submission).

Submission:

GeneDx
Classification: Uncertain significance. Last evaluated: 2022-02-01. Review status: criteria provided, single submitter. Criteria: GeneDx Variant Classification Process June 2021. Collection method: clinical testing. Allele origin: germline. Affected: yes.
Comment: Not observed at significant frequency in large population cohorts (gnomAD); Has not been previously published as pathogenic or benign to our knowledge; In silico analysis, which includes splice predictors and evolutionary conservation, suggests this variant may impact gene splicing. In the absence of RNA/functional studies, the actual effect of this sequence change is unknown.